The following is an entry in ClinVar:

NM_003194.5(TBP):c.225GCA[16] (p.Gln93_Gln95del)

Genes: TBP (TATA-box binding protein; plus strand), LOC108663996 (TATA-box binding protein repeat instability region; plus strand). Cytogenetic location: 6q27.
Variant type: Microsatellite.
Coding change: c.225GCA[16] on transcript NM_003194.5 (MANE Select); 16 copies in a row of the 3-base unit GCA starting at c.225; the reference has 19 copies in a row; three copies, 9 bases deleted.
Protein change: p.Gln93_Gln95del.
Molecular consequence: inframe deletion.
Genome position (GRCh38, 1-based): chr6:170,562,009-170,562,017, GCAGCAGCA deleted; deleting any 9 consecutive bases within chr6:170,561,959-170,562,017 gives the same sequence; the position shown is the placement nearest the transcript's 3' end. VCF-style (leftmost placement, unchanged base first): chr6-170561958-ACAGCAGCAG-A. GRCh37 (hg19) VCF-style: chr6-170871046-ACAGCAGCAG-A.
Other names: c.165GCA[16], p.Gln73_Gln75del (NM_001172085.2).
Identifiers: ClinVar variation 599434 (VCV000599434.5), dbSNP rs752404282, ClinGen allele CA4108300.

ClinVar aggregate classification (germline): Benign (1 of 4 stars; one submission).

Submission:

Institute for Genomic Medicine (IGM) Clinical Laboratory, Nationwide Children's Hospital
Classification: Benign. Last evaluated: 2017-03-20. Review status: criteria provided, single submitter. Criteria: ACMG Guidelines, 2015. Collection method: clinical testing. Allele origin: germline.
Comment: Normal variation in repetative sequence